The following is an entry in ClinVar:

ClinVar aggregate classification (germline): Uncertain significance (1 of 4 stars; one submission).

Conditions:
Hereditary cancer-predisposing syndrome. Also called: Tumor predisposition; Hereditary neoplastic syndrome; Hereditary Cancer Syndrome; Neoplastic Syndromes, Hereditary. Identifiers: Orphanet 140162, MedGen C0027672, MeSH D009386, MONDO:0015356.

Submission:

Ambry Genetics
Classification: Uncertain significance for Hereditary cancer-predisposing syndrome. Last evaluated: 2025-05-20. Review status: criteria provided, single submitter. Criteria: Ambry Variant Classification Scheme 2023. Collection method: clinical testing. Allele origin: germline.
Comment: The p.D262N variant (also known as c.784G>A), located in coding exon 7 of the SUFU gene, results from a G to A substitution at nucleotide position 784. The aspartic acid at codon 262 is replaced by asparagine, an amino acid with highly similar properties. This amino acid position is conserved. In addition, this alteration is predicted to be tolerated by in silico analysis. Based on the available evidence, the clinical significance of this variant remains unclear.

NM_016169.4(SUFU):c.784G>A (p.Asp262Asn)

Gene: SUFU (SUFU negative regulator of hedgehog signaling; plus strand). Cytogenetic location: 10q24.32.
Variant type: single nucleotide variant.
Coding change: c.784G>A on transcript NM_016169.4 (MANE Select); coding-DNA position 784, G replaced by A.
Protein change: p.Asp262Asn; replaces aspartic acid 262 with asparagine.
Molecular consequence: missense variant.
Genome position (GRCh38, 1-based): chr10:102,597,167, G>A. VCF-style: chr10-102597167-G-A. GRCh37 (hg19) VCF-style: chr10-104356924-G-A.
Other names: c.784G>A, p.Asp262Asn (NM_001178133.2); short protein forms D262N.
Identifiers: ClinVar variation 3963870 (VCV003963870.1).